The following is an entry in ClinVar:

ClinVar aggregate classification (germline): Pathogenic (1 of 4 stars; one submission).

Conditions:
Primary ciliary dyskinesia 32. Also called: CILIARY DYSKINESIA, PRIMARY, 32, WITHOUT SITUS INVERSUS. Identifiers: Orphanet 244, MedGen C4225311, MONDO:0014657, OMIM 616481.

Submission:

Labcorp Genetics (formerly Invitae), Labcorp
Classification: Pathogenic for Primary ciliary dyskinesia 32. Last evaluated: 2025-01-15. Review status: criteria provided, single submitter. Criteria: Invitae Variant Classification Sherloc (09022015). Collection method: clinical testing. Allele origin: germline.
Comment: This sequence change affects a donor splice site in intron 6 of the RSPH3 gene. It is expected to disrupt RNA splicing. Variants that disrupt the donor or acceptor splice site typically lead to a loss of protein function (PMID: 16199547), and loss-of-function variants in RSPH3 are known to be pathogenic (PMID: 26073779). This variant is not present in population databases (gnomAD no frequency). Disruption of this splice site has been observed in individual(s) with primary ciliary dyskinesia (internal data). ClinVar contains an entry for this variant (Variation ID: 1514354). Algorithms developed to predict the effect of sequence changes on RNA splicing suggest that this variant may disrupt the consensus splice site. For these reasons, this variant has been classified as Pathogenic.

Literature cited by the submitters: PubMed 16199547; PubMed 26073779.

NM_031924.8(RSPH3):c.859+1G>A

Gene: RSPH3 (radial spoke head 3; minus strand). Cytogenetic location: 6q25.3.
Variant type: single nucleotide variant.
Coding change: c.859+1G>A on transcript NM_031924.8 (MANE Select); the canonical splice donor site of the intron after coding-DNA position 859, G replaced by A.
Molecular consequence: splice donor variant.
Genome position (GRCh38, 1-based): chr6:158,980,773, C>T on the plus strand (G>A on the coding strand, the complement: RSPH3 is on the minus strand). VCF-style: chr6-158980773-C-T. GRCh37 (hg19) VCF-style: chr6-159401805-C-T.
Other names: c.997+1G>A (NM_001346418.1).
Identifiers: ClinVar variation 1514354 (VCV001514354.8), dbSNP rs758891825, ClinGen allele CA151039462.